The following is an entry in ClinVar:

ClinVar aggregate classification (germline): Uncertain significance (1 of 4 stars; one submission).

Conditions:
Glycine encephalopathy. Also called: Nonketotic hyperglycinemia; Non-ketotic hyperglycinemia. Identifiers: Orphanet 407, MedGen C0751748, MONDO:0011612, HP:0008288.

gnomAD v4.1: 1 of 1,613,414 alleles (0.000062%); no homozygotes.

Submission:

Labcorp Genetics (formerly Invitae), Labcorp
Classification: Uncertain significance for Glycine encephalopathy. Last evaluated: 2021-09-24. Review status: criteria provided, single submitter. Criteria: Invitae Variant Classification Sherloc (09022015). Collection method: clinical testing. Allele origin: germline.
Comment: This sequence change replaces glycine with glutamic acid at codon 637 of the GLDC protein (p.Gly637Glu). The glycine residue is highly conserved and there is a moderate physicochemical difference between glycine and glutamic acid. This variant is not present in population databases (ExAC no frequency). This variant has not been reported in the literature in individuals with GLDC-related conditions. Algorithms developed to predict the effect of missense changes on protein structure and function are either unavailable or do not agree on the potential impact of this missense change (SIFT: "Deleterious"; PolyPhen-2: "Benign"; Align-GVGD: "Class C0"). In summary, the available evidence is currently insufficient to determine the role of this variant in disease. Therefore, it has been classified as a Variant of Uncertain Significance.

NM_000170.3(GLDC):c.1910G>A (p.Gly637Glu)

Gene: GLDC (glycine decarboxylase; minus strand). Cytogenetic location: 9p24.1.
Variant type: single nucleotide variant.
Coding change: c.1910G>A on transcript NM_000170.3 (MANE Select); coding-DNA position 1910, G replaced by A.
Protein change: p.Gly637Glu; replaces glycine 637 with glutamic acid.
Molecular consequence: missense variant.
Genome position (GRCh38, 1-based): chr9:6,565,370, C>T on the plus strand (G>A on the coding strand, the complement: GLDC is on the minus strand). VCF-style: chr9-6565370-C-T. GRCh37 (hg19) VCF-style: chr9-6565370-C-T.
Other names: short protein forms G637E.
Identifiers: ClinVar variation 1409893 (VCV001409893.5), dbSNP rs759852256, ClinGen allele CA372884365.
Genomic context (GRCh38, chr9:6,565,370, plus strand): 5'-TCTGTGCCCCATGGTGAGCAAGCGCCACCTCCTGCCATACTCACCGTTCTGTGCCCCTCT[C>T]CTTTCTGGTTTAAGTAGGCTCGGATAGTGGCCAGTCCAGCATATTCTCCCTGGGCTCCGC-3'
Protein context (NP_000161.2, residues 627-647): ATIRAYLNQK[Gly637Glu]EGHRTVCLIP